The following is an entry in ClinVar:

NM_000152.5(GAA):c.1443G>A (p.Trp481Ter)

Gene: GAA (alpha glucosidase; plus strand). Cytogenetic location: 17q25.3.
Variant type: single nucleotide variant.
Coding change: c.1443G>A on transcript NM_000152.5 (MANE Select); coding-DNA position 1443, G replaced by A.
Protein change: p.Trp481Ter; replaces tryptophan 481 with a stop codon.
Molecular consequence: nonsense.
Genome position (GRCh38, 1-based): chr17:80,110,732, G>A. VCF-style: chr17-80110732-G-A. GRCh37 (hg19) VCF-style: chr17-78084531-G-A.
Other names: c.1443G>A, p.Trp481Ter (NM_001079803.3, NM_001079804.3); short protein forms W481*.
Identifiers: ClinVar variation 1073372 (VCV001073372.27), dbSNP rs2143871845, ClinGen allele CA401366781.
Genomic context (GRCh38, chr17:80,110,732, plus strand): 5'-CCATGCAGGCCCTGGGTGGGGCCGGGTCTCCCCACTGCAGCCTCTCGTTGTCCAGGTATG[G>A]CCCGGGTCCACTGCCTTCCCCGACTTCACCAACCCCACAGCCCTGGCCTGGTGGGAGGAC-3'

ClinVar aggregate classification (germline): Pathogenic. Review status: criteria provided, multiple submitters, no conflicts (2 of 4 stars). 3 submissions from 3 submitters: Pathogenic (3). Last evaluated 2026-07-01.

Conditions:
Glycogen storage disease, type II (IOPD). Also called: CARDIOMEGALIA GLYCOGENICA DIFFUSA; GLYCOGENOSIS, GENERALIZED, CARDIAC FORM; GSD II; Glycogen storage disease type 2; Acid maltase deficiency disease; Aglucosidase alfa. Identifiers: Orphanet 365, MedGen C0017921, MONDO:0009290, OMIM 232300.

Submissions (3):

Genomenon, Inc
Classification: Pathogenic for Glycogen storage disease, type II. Last evaluated: 2026-07-01. Review status: criteria provided, single submitter. Criteria: Genomenon Sequence Variant Interpretation Standards - Updated. Collection method: curation. Allele origin: germline. Affected: yes.
Comment: GAA p.Trp481Ter (c.1443G>A) is a nonsense variant that introduces a premature stop codon at amino acid position 481 and is predicted to result in a truncated or absent protein product. This variant has been observed in at least one proband with a GAA-related disorder (PMID:37653444). It is absent or not present at a significant frequency in gnomAD. In conclusion, we classify GAA p.Trp481Ter (c.1443G>A) as a pathogenic variant.

Labcorp Genetics (formerly Invitae), Labcorp
Classification: Pathogenic for Glycogen storage disease, type II. Last evaluated: 2020-03-30. Review status: criteria provided, single submitter. Criteria: Invitae Variant Classification Sherloc (09022015). Collection method: clinical testing. Allele origin: germline.
Comment: Loss-of-function variants in GAA are known to be pathogenic (PMID: 18425781, 22252923). For these reasons, this variant has been classified as Pathogenic. This sequence change creates a premature translational stop signal (p.Trp481*) in the GAA gene. It is expected to result in an absent or disrupted protein product. This variant is not present in population databases (ExAC no frequency). This variant has not been reported in the literature in individuals with GAA-related conditions. A different variant (c.1442G>A) giving rise to the same protein effect observed here (p.Trp481*) has been determined to be pathogenic (PMID: 22252923). This suggests that this variant is also likely to be causative of disease.

Arcensus
Classification: Pathogenic for Glycogen storage disease, type II. Last evaluated: 2013-02-01. Review status: criteria provided, single submitter. Criteria: ACMG Guidelines, 2015. Collection method: clinical testing. Allele origin: germline. Affected: yes.

Literature cited by the submitters: PubMed 37653444 (cited by Genomenon, Inc); PubMed 18425781 (cited by Labcorp Genetics (formerly Invitae), Labcorp); PubMed 22252923 (cited by Labcorp Genetics (formerly Invitae), Labcorp).